The following is an entry in ClinVar:

NM_018965.4(TREM2):c.*45A>T

Gene: TREM2 (triggering receptor expressed on myeloid cells 2; minus strand). Cytogenetic location: 6p21.1.
Variant type: single nucleotide variant.
Coding change: c.*45A>T on transcript NM_018965.4 (MANE Select); 45 bases downstream of the stop codon, A replaced by T.
Molecular consequence: 3 prime UTR variant. On other transcripts: missense variant (1).
Genome position (GRCh38, 1-based): chr6:41,158,719, T>A on the plus strand (A>T on the coding strand, the complement: TREM2 is on the minus strand). VCF-style: chr6-41158719-T-A. GRCh37 (hg19) VCF-style: chr6-41126457-T-A.
Other names: c.544A>T, p.Thr182Ser (NM_001271821.2); short protein forms T182S.
Identifiers: ClinVar variation 1412934 (VCV001412934.3), dbSNP rs776713120, ClinGen allele CA3798795.

ClinVar aggregate classification (germline): Uncertain significance (1 of 4 stars; one submission).

Allele frequency attached by ClinVar (database versions not stated): gnomAD exomes below 0.00001 and 0.00001; ExAC 0.00002; gnomAD 0.00002; TOPMed 0.00004.

Submission:

Labcorp Genetics (formerly Invitae), Labcorp
Classification: Uncertain significance. Last evaluated: 2022-08-31. Review status: criteria provided, single submitter. Criteria: Invitae Variant Classification Sherloc (09022015). Collection method: clinical testing. Allele origin: germline.
Comment: The TREM2 gene has multiple clinically relevant transcripts. This variant occurs in alternate transcript NM_001271821.1, and corresponds to NM_018965.3:c.*45A>T in the primary transcript. This sequence change replaces threonine, which is neutral and polar, with serine, which is neutral and polar, at codon 182 of the TREM2 protein ( p.Thr182Ser). This variant is present in population databases (rs776713120, gnomAD 0.01%). This variant has not been reported in the literature in individuals affected with TREM2-related conditions. ClinVar contains an entry for this variant (Variation ID: 1412934). Experimental studies and prediction algorithms are not available or were not evaluated, and the functional significance of this variant is currently unknown. In summary, the available evidence is currently insufficient to determine the role of this variant in disease. Therefore, it has been classified as a Variant of Uncertain Significance.